The following continues an entry in ClinVar:

NM_000552.5(VWF):c.2561G>A (p.Arg854Gln)

Gene: VWF. ClinVar aggregate classification (germline): Pathogenic. Pathogenic (1).

Submissions 9 to 21 of 55:

First Genomix Gene Laboratory, Genetic Diagnostics Department
Classification: Pathogenic for von Willebrand disease type 3; von Willebrand disease type 2. Last evaluated: 2025-03-18. Review status: criteria provided, single submitter. Criteria: ACMG Guidelines, 2015. Collection method: clinical testing. Allele origin: germline. Inheritance: Autosomal recessive inheritance. Affected: no. Observed: 1 variant allele. Not counted in ClinVar's aggregate classification.

Center for Genomic Medicine, Rigshospitalet, Copenhagen University Hospital
Classification: Pathogenic. Last evaluated: 2025-03-04. Review status: criteria provided, single submitter. Criteria: ACMG Guidelines, 2015. Collection method: clinical testing. Allele origin: germline. Not counted in ClinVar's aggregate classification.

Laboratory of Genetics, Children's Clinical University Hospital Latvia
Classification: Pathogenic. Last evaluated: 2025-02-16. Review status: criteria provided, single submitter. Criteria: ACMG Guidelines, 2015. Collection method: clinical testing. Allele origin: germline. Affected: yes. Not counted in ClinVar's aggregate classification.

Institute of Human Genetics, University of Leipzig Medical Center
Classification: Pathogenic for von Willebrand disease type 2. Last evaluated: 2024-12-11. Review status: criteria provided, single submitter. Criteria: ACMG Guidelines, 2015. Collection method: clinical testing. Allele origin: unknown. Inheritance: Autosomal recessive inheritance. Affected: yes. Not counted in ClinVar's aggregate classification.
Comment: Criteria applied: PM3_VSTR,PS3,PM5,PP1; Identified as compund heterozygous with NM_000552.5:c.2435del

Blueprint Genetics
Classification: Pathogenic for VWF-related disorders. Last evaluated: 2024-11-23. Review status: criteria provided, single submitter. Criteria: ACMG Guidelines, 2015. Collection method: clinical testing. Allele origin: germline. Affected: yes. Observed: 5 variant alleles. Not counted in ClinVar's aggregate classification.

Quest Diagnostics Nichols Institute San Juan Capistrano
Classification: Pathogenic. Last evaluated: 2024-10-14. Review status: criteria provided, single submitter. Criteria: Quest Diagnostics criteria. Collection method: clinical testing. Allele origin: unknown. Not counted in ClinVar's aggregate classification.
Comment: The VWF c.2561G>A (p.Arg854Gln) variant has been reported in the published literature in multiple individuals with autosomal recessive Type 2N von Willebrand disease (Type 2N vWD) (PMIDs: 1832934 (1991), 9684781 (1998), 15461624 (2004), 20409624 (2010), 22875612 (2013), 35446929 (2022), 38947547 (2024)). Functional studies have shown that this variant greatly reduces the ability of the VWF protein to bind factor VIII (PMIDs: 1906877 (1991), 15461624 (2004)). The frequency of this variant in the general population, 0.007 (34/4834 chromosomes (Genome Aggregation Database)), is consistent with pathogenicity. Based on the available information, this variant is classified as pathogenic.

Revvity Omics, Revvity
Classification: Pathogenic. Last evaluated: 2024-09-17. Review status: criteria provided, single submitter. Criteria: ACMG Guidelines, 2015. Collection method: clinical testing. Allele origin: germline. Not counted in ClinVar's aggregate classification.

Genetic Services Laboratory, University of Chicago
Classification: Pathogenic. Last evaluated: 2024-03-25. Review status: criteria provided, single submitter. Criteria: ACMG Guidelines, 2015. Collection method: clinical testing. Allele origin: germline. Affected: yes. Not counted in ClinVar's aggregate classification.
Comment: DNA sequence analysis of the VWF gene demonstrated a sequence change, c.2561G>A, in exon 20 that results in an amino acid change, p.Arg854Gln. This pathogenic sequence change has previously been described in the bi-allelic state in several individuals with autosomal recessive Von Willebrand Disease type 2N and is the most common pathogenic variant associated with VWD type 2N (PMID: 21371195, 26207643, 15461624, 1832934). This sequence change has been described in the gnomAD database with a frequency of 0.35% in the overall population (dbSNP rs41276738).The p.Arg854Gln change affects a highly conserved amino acid residue located in a domain of the VWF protein that is known to be functional. Functional studies indicate that this sequence change results in decreased ability of the VWF protein to bind Factor VIII (PMID: 1906877, 15461624, 23426949, 12176890). In-silico pathogenicity prediction tools (SIFT, PolyPhen2, Align GVGD, REVEL) provide contradictory results for the p.Arg854Gln substitution. These collective evidences indicate that this sequence change is pathogenic.

Laboratory for Molecular Medicine, Mass General Brigham Personalized Medicine
Classification: Pathogenic for Hereditary von Willebrand disease. Last evaluated: 2024-03-19. Review status: criteria provided, single submitter. Criteria: ACMG Guidelines, 2015. Collection method: clinical testing. Allele origin: germline. Inheritance: Autosomal recessive inheritance. Not counted in ClinVar's aggregate classification.
Comment: The p.Arg854Gln has been reported in the homozygous or compound heterozygous state in >20 individuals with von Willebrand disease (VWD) type 2N (Gaucher 1991 PMID: 1832934, Peerlinck 1992 PMID: 1581215, Veyradier 2011 PMID: 21371195). This variant is a common disease-causing variant for type 2N VWD (Casonato 2013 PMID: 22875612). This variant has also been reported by other clinical laboratories in ClinVar (Variation ID: 296) and has been identified in 0.6% (7050/1180026) of European chromosomes, including 26 total homozygotes by gnomAD (v.4.0.0). This is consistent with a recessive carrier frequency and the clinical manifestations of type 2N VWD. In vitro functional studies indicate the p.Arg854Gln variant may affect protein function as it has been shown to decrease binding to factor VIII (Wang 2012 PMID: 23426949, Skipwith 2013 PMID: 23636243). In summary, this variant meets criteria to be classified as pathogenic for autosomal recessive type 2N von Willebrand disease. ACMG/AMP criteria applied: PM3_VeryStrong, PS3_Supporting, PM2_Supporting.

Fulgent Genetics
Classification: Pathogenic for von Willebrand disease type 1; von Willebrand disease type 3; von Willebrand disease type 2. Last evaluated: 2024-03-12. Review status: criteria provided, single submitter. Criteria: ACMG Guidelines, 2015. Collection method: clinical testing. Allele origin: germline. Not counted in ClinVar's aggregate classification.

Pittsburgh Clinical Genomics Laboratory, University of Pittsburgh Medical Center
Classification: Pathogenic for von Willebrand disease type 1. Last evaluated: 2024-01-24. Review status: criteria provided, single submitter. Criteria: ACMG Guidelines, 2015. Collection method: clinical testing. Allele origin: germline. Inheritance: Autosomal unknown. Affected: yes. Not counted in ClinVar's aggregate classification.
Comment: This sequence variant is a single nucleotide substitution (G>A) at position 2561 of the coding sequence of the VWF gene that results in an arginine to glutamine amino acid change at residue 854 of the von Willebrand factor propeptide. This is a previously reported variant (ClinVar 296) that has been observed in and is the most frequent allele found in individuals affected by recessive type 2N von Willebrand disease (PMID: 1832934, 9684781, 12353087, 15461624, 22875612). This variant is present in 8000 of 1614214 alleles (0.4956%) in the gnomAD v4.0.0 population dataset. The Arg854 residue at this position is highly conserved across the vertebrate species examined. Studies examining the functional consequence of this variant demonstrate that it strongly inhibits Factor VIII binding (PMID: 1906877, 12588349, 23636243). Based upon the evidence, we consider this variant to be pathogenic. ACMG Criteria: PM5, PP1, PP2, PP5, PS3

Women's Health and Genetics/Laboratory Corporation of America, LabCorp
Classification: Pathogenic for von Willebrand disorder. Last evaluated: 2024-01-16. Review status: criteria provided, single submitter. Criteria: LabCorp Variant Classification Summary - May 2015. Collection method: clinical testing. Allele origin: germline. Not counted in ClinVar's aggregate classification.
Comment: Variant summary: VWF c.2561G>A (p.Arg854Gln) results in a conservative amino acid change located in the VWFC domain (IPR001846) of the encoded protein sequence. Three of five in-silico tools predict a damaging effect of the variant on protein function. The variant allele was found at a frequency of 0.0034 in 251418 control chromosomes in the gnomAD database, including 5 homozygotes. c.2561G>A has been reported in the literature as a homozygous and compound heterozygous genotype in multiple individuals affected with Von Willebrand Disease type 2N (e.g. Casonato_2013, Fidalgo_2016) and is a common variant associated with type 2N VWD. These data indicate that the variant is very likely to be associated with disease. At least one publication reports experimental evidence evaluating an impact on protein function, showing that the variant affects protein function (Wang_2013, Skipwith_2013). The following publications have been ascertained in the context of this evaluation (PMID: 22875612, 26988807, 23636243, 23426949). ClinVar contains an entry for this variant (Variation ID: 296). Based on the evidence outlined above, the variant was classified as pathogenic.

Greenwood Genetic Center Diagnostic Laboratories, Greenwood Genetic Center
Classification: Pathogenic for von Willebrand disease type 2. Last evaluated: 2023-11-30. Review status: criteria provided, single submitter. Criteria: ACMG Guidelines, 2015. Collection method: clinical testing. Allele origin: germline. Affected: yes. Not counted in ClinVar's aggregate classification.
Comment: PS3, PM1, PM3_Strong